The following is an entry in ClinVar:

NM_017617.5(NOTCH1):c.5088C>A (p.Ala1696=)

Gene: NOTCH1 (notch receptor 1; minus strand). Cytogenetic location: 9q34.3.
Variant type: single nucleotide variant.
Coding change: c.5088C>A on transcript NM_017617.5 (MANE Select); coding-DNA position 5088, C replaced by A.
Protein change: p.Ala1696=; no amino-acid change (alanine 1696 retained).
Molecular consequence: synonymous variant.
Genome position (GRCh38, 1-based): chr9:136,503,261, G>T on the plus strand (C>A on the coding strand, the complement: NOTCH1 is on the minus strand). VCF-style: chr9-136503261-G-T. GRCh37 (hg19) VCF-style: chr9-139397713-G-T.
Other names: c.5088C>A (NM_017617.3).
Identifiers: ClinVar variation 3348984 (VCV003348984.2).

ClinVar aggregate classification (germline): Likely benign. Review status: criteria provided, single submitter (1 of 4 stars). 2 submissions from 2 submitters: Likely benign (1). 1 of the submissions does not count toward it. Last evaluated 2026-05-21.

Conditions:
Familial thoracic aortic aneurysm and aortic dissection (TAAD). Also called: Thoracic aortic aneurysms and dissections. Identifiers: Orphanet 91387, MedGen C4707243, MONDO:0019625.
NOTCH1-related disorder. Also called: NOTCH1-related condition; NOTCH1-related disorders.

Submissions (2):

Ambry Genetics
Classification: Likely benign for Familial thoracic aortic aneurysm and aortic dissection. Last evaluated: 2026-05-21. Review status: criteria provided, single submitter. Criteria: Ambry Variant Classification Scheme 2023. Collection method: clinical testing. Allele origin: germline.

PreventionGenetics, part of Exact Sciences
Classification: Likely benign for NOTCH1-related condition. Last evaluated: 2024-03-29. Review status: no assertion criteria provided. Collection method: clinical testing. Allele origin: germline. Not counted in ClinVar's aggregate classification.
Comment: This variant is classified as likely benign based on ACMG/AMP sequence variant interpretation guidelines (Richards et al. 2015 PMID: 25741868, with internal and published modifications).